The following is an entry in ClinVar:

ClinVar aggregate classification (germline): Uncertain significance (1 of 4 stars; one submission).

Conditions:
ALMS1-related disorder. Also called: ALMS1-related condition.

Submission:

PreventionGenetics, part of Exact Sciences
Classification: Uncertain significance for ALMS1-related condition. Last evaluated: 2024-10-16. Review status: criteria provided, single submitter. Criteria: ACMG Guidelines, 2015. Collection method: clinical testing. Allele origin: germline.
Comment: The ALMS1 c.853G>C variant is predicted to result in the amino acid substitution p.Ala285Pro. To our knowledge, this variant has not been reported in the literature or in a large population database (gnomAD), indicating this variant is rare. At this time, the clinical significance of this variant is uncertain due to the absence of conclusive functional and genetic evidence.

NM_001378454.1(ALMS1):c.850G>C (p.Val284Leu)

Gene: ALMS1 (ALMS1 centrosome and basal body associated protein; plus strand). Cytogenetic location: 2p13.1.
Variant type: single nucleotide variant.
Coding change: c.850G>C on transcript NM_001378454.1 (MANE Select); coding-DNA position 850, G replaced by C.
Protein change: p.Val284Leu; replaces valine 284 with leucine.
Molecular consequence: missense variant.
Genome position (GRCh38, 1-based): chr2:73,424,515, G>C. VCF-style: chr2-73424515-G-C. GRCh37 (hg19) VCF-style: chr2-73651643-G-C.
Other names: c.853G>C, p.Val285Leu (NM_015120.4); short protein forms V284L, V285L.
Identifiers: ClinVar variation 5001999 (VCV005001999.1).